The following is an entry in ClinVar:

ClinVar aggregate classification (germline): Likely benign. Review status: criteria provided, multiple submitters, no conflicts (2 of 4 stars). 2 submissions from 2 submitters: Likely benign (2). Last evaluated 2025-12-01.

Allele frequency attached by ClinVar (database versions not stated): gnomAD exomes 0.00002.
gnomAD v4.1: 6 of 1,614,124 alleles (0.00037%); highest among the groups gnomAD compares: Admixed American, 0.01%; no homozygotes.

Submissions (2):

CeGaT Center for Human Genetics Tuebingen
Classification: Likely benign. Last evaluated: 2025-12-01. Review status: criteria provided, single submitter. Criteria: CeGaT Center For Human Genetics Tuebingen Variant Classification Criteria Version 2. Collection method: clinical testing. Allele origin: germline. Affected: yes. Observed: 1 variant allele.
Comment: PRPF8: BP4, BP7

Labcorp Genetics (formerly Invitae), Labcorp
Classification: Likely benign. Last evaluated: 2025-01-29. Review status: criteria provided, single submitter. Criteria: Invitae Variant Classification Sherloc (09022015). Collection method: clinical testing. Allele origin: germline.

NM_006445.4(PRPF8):c.4431C>T (p.Ala1477=)

Gene: PRPF8 (pre-mRNA processing factor 8; minus strand). Cytogenetic location: 17p13.3.
Variant type: single nucleotide variant.
Coding change: c.4431C>T on transcript NM_006445.4 (MANE Select); coding-DNA position 4431, C replaced by T.
Protein change: p.Ala1477=; no amino-acid change (alanine 1477 retained).
Molecular consequence: synonymous variant.
Genome position (GRCh38, 1-based): chr17:1,661,070, G>A on the plus strand (C>T on the coding strand, the complement: PRPF8 is on the minus strand). VCF-style: chr17-1661070-G-A. GRCh37 (hg19) VCF-style: chr17-1564364-G-A.
Identifiers: ClinVar variation 721511 (VCV000721511.12), dbSNP rs1431727140, ClinGen allele CA497391954.